The following is an entry in ClinVar:

ClinVar aggregate classification (germline): Uncertain significance. Review status: reviewed by expert panel (3 of 4 stars). 5 submissions from 5 submitters: Uncertain significance (1). 4 of the submissions do not count toward it. Last evaluated 2025-08-01.

Conditions:
RYR1-related disorder. Also called: RYR1-related disorders; RYR1-related condition. Identifiers: MedGen CN239331.
Malignant hyperthermia, susceptibility to, 1 (MHS1). Also called: RYR1-Related Malignant Hyperthermia Susceptibility; Malignant hyperthermia suceptibility 1; Anesthesia related hyperthermia; Malignant hyperpyrexia; Fulminating hyperpyrexia; Pharmacogenic myopathy. Identifiers: Orphanet 423, MedGen C2930980, MONDO:0007783, OMIM 145600.

Allele frequency attached by ClinVar (database versions not stated): TOPMed 0.00001; gnomAD 0.00003.
gnomAD v4.1: 10 of 1,613,912 alleles (0.00062%); highest among the groups gnomAD compares: East Asian, 0.02%; no homozygotes.

Submissions (5):

ClinGen Malignant Hyperthermia Susceptibility Variant Curation Expert Panel, ClinGen
Classification: Uncertain significance for Malignant hyperthermia, susceptibility to, 1. Last evaluated: 2025-08-01. Review status: reviewed by expert panel. Criteria: ClinGen MHS ACMG Specifications V2. Collection method: curation. Allele origin: germline. Inheritance: Autosomal dominant inheritance. Study: ClinGen.
Comment: This pathogenicity assessment is relevant only for malignant hyperthermia susceptibility (MHS) inherited in an autosomal dominant pattern. Variants in RYR1 can also cause other myopathies inherited in an autosomal dominant pattern or in an autosomal recessive pattern. Some of these disorders may predispose individuals to malignant hyperthermia. RYR1 variants may also contribute to a malignant hyperthermia reaction in combination with other genetic and non-genetic factors and the clinician needs to consider such factors in making management decisions. This sequence variant predicts a substitution of arginine with leucine at codon 316 of the RYR1 protein, p.(Arg316Leu). The maximum allele frequency for this variant among the six major gnomAD populations is EAS: 0.0001, a frequency consistent with pathogenicity for MHS. This variant has been reported in an individual with a personal or family history of an MH episode without an in vitro contracture test (IVCT) or caffeine halothane contracture test (CHCT) result (no test recorded), this does not fulfill PS4 (PMID:16732084). No functional studies were identified for this variant. This variant resides in a region of RYR1 considered to be a hotspot for pathogenic variants that contribute to MHS, PM1 (PMID: 21118704). A REVEL score >0.85 (0.928) supports a pathogenic status for this variant, PP3_Moderate. This variant has been classified as a Variant of Unknown Significance. Criteria implemented: PM1, PP3_Moderate.

Labcorp Genetics (formerly Invitae), Labcorp
Classification: Likely pathogenic for RYR1-related disorder. Last evaluated: 2025-08-13. Review status: criteria provided, single submitter. Criteria: Invitae Variant Classification Sherloc (09022015). Collection method: clinical testing. Allele origin: germline. Not counted in ClinVar's aggregate classification.
Comment: This sequence change replaces arginine, which is basic and polar, with leucine, which is neutral and non-polar, at codon 316 of the RYR1 protein (p.Arg316Leu). This variant is present in population databases (rs193922761, gnomAD 0.01%). This missense change has been observed in individual(s) with autosomal dominant malignant hyperthermia (PMID: 16732084). ClinVar contains an entry for this variant (Variation ID: 133242). Invitae Evidence Modeling of protein sequence and biophysical properties (such as structural, functional, and spatial information, amino acid conservation, physicochemical variation, residue mobility, and thermodynamic stability) indicates that this missense variant is expected to disrupt RYR1 protein function with a positive predictive value of 95%. This variant disrupts the p.Arg316 amino acid residue in RYR1. Other variant(s) that disrupt this residue have been observed in individuals with RYR1-related conditions (PMID: 31304636), which suggests that this may be a clinically significant amino acid residue. In summary, the currently available evidence indicates that the variant is pathogenic, but additional data are needed to prove that conclusively. Therefore, this variant has been classified as Likely Pathogenic.

Color Diagnostics, LLC DBA Color Health
Classification: Uncertain significance for Malignant hyperthermia, susceptibility to, 1. Last evaluated: 2025-08-12. Review status: criteria provided, single submitter. Criteria: ACMG Guidelines, 2015. Collection method: clinical testing. Allele origin: germline. Not counted in ClinVar's aggregate classification.
Comment: This missense variant replaces arginine with leucine at codon 316 of the RYR1 protein. Computational prediction suggests that this variant may have deleterious impact on protein structure and function. This variant occurs in a region of the RYR1 protein that is considered to be a hotspot for pathogenic variants that contribute to malignant hyperthermia susceptibility (PMID: 21118704). To our knowledge, functional studies have not been reported for this variant. This variant has been reported in an individual with a personal history of a malignant hyperthermia episode (PMID: 16732084). This variant has been identified in 3/282490 chromosomes in the general population by the Genome Aggregation Database (gnomAD). The available evidence is insufficient to determine the role of this variant in disease conclusively. Therefore, this variant is classified as a Variant of Uncertain Significance.

GeneDx
Classification: Uncertain significance. Last evaluated: 2024-09-09. Review status: criteria provided, single submitter. Criteria: GeneDx Variant Classification Process June 2021. Collection method: clinical testing. Allele origin: germline. Affected: yes. Not counted in ClinVar's aggregate classification.
Comment: Reported previously in an individual with a malignant hyperthermia episode, however in vitro contracture testing was not performed and other genes associated with malignant hyperthermia were not evaluated (PMID: 16732084); Not observed at significant frequency in large population cohorts (gnomAD); In silico analysis supports that this missense variant has a deleterious effect on protein structure/function; This variant is associated with the following publications: (PMID: 31304636, 33767344, Li_2024_Article, 16917943, 24136861, 16732084)

RYR1 database
No classification provided. Review status: no classification provided. Collection method: not provided. Allele origin: unknown. Not counted in ClinVar's aggregate classification.

Literature cited by the submitters: PubMed 16732084 (cited by Labcorp Genetics (formerly Invitae), Labcorp and Color Diagnostics, LLC DBA Color Health); PubMed 31304636 (cited by Labcorp Genetics (formerly Invitae), Labcorp); PubMed 21118704 (cited by Color Diagnostics, LLC DBA Color Health).

NM_000540.3(RYR1):c.947G>T (p.Arg316Leu)

Gene: RYR1 (ryanodine receptor 1; plus strand). Cytogenetic location: 19q13.2.
Variant type: single nucleotide variant.
Coding change: c.947G>T on transcript NM_000540.3 (MANE Select); coding-DNA position 947, G replaced by T.
Protein change: p.Arg316Leu; replaces arginine 316 with leucine.
Molecular consequence: missense variant.
Genome position (GRCh38, 1-based): chr19:38,448,501, G>T. VCF-style: chr19-38448501-G-T. GRCh37 (hg19) VCF-style: chr19-38939141-G-T.
Other names: NM_000540.2(RYR1):c.947G>T; p.Arg316Leu; c.947G>T, p.Arg316Leu (NM_001042723.2); short protein forms R316L.
Identifiers: ClinVar variation 133242 (VCV000133242.11), dbSNP rs193922761, ClinGen allele CA024986.